The following is an entry in ClinVar:

ClinVar aggregate classification (germline): Pathogenic (1 of 4 stars; one submission).

Allele frequency attached by ClinVar (database versions not stated): TOPMed below 0.00001; gnomAD 0.00001.
gnomAD v4.1: 1 of 1,551,592 alleles (0.000064%); highest among the groups gnomAD compares: Non-Finnish European, 0.000087%; no homozygotes.

Submission:

Labcorp Genetics (formerly Invitae), Labcorp
Classification: Pathogenic. Last evaluated: 2024-01-29. Review status: criteria provided, single submitter. Criteria: Invitae Variant Classification Sherloc (09022015). Collection method: clinical testing. Allele origin: germline.
Comment: This sequence change creates a premature translational stop signal (p.Arg324*) in the LOXHD1 gene. It is expected to result in an absent or disrupted protein product. Loss-of-function variants in LOXHD1 are known to be pathogenic (PMID: 19732867, 21465660, 25792669). This variant is not present in population databases (gnomAD no frequency). This variant has not been reported in the literature in individuals affected with LOXHD1-related conditions. ClinVar contains an entry for this variant (Variation ID: 1993425). For these reasons, this variant has been classified as Pathogenic.

Literature cited by the submitters: PubMed 19732867; PubMed 21465660; PubMed 25792669.

NM_001384474.1(LOXHD1):c.970A>T (p.Arg324Ter)

Gene: LOXHD1 (lipoxygenase homology PLAT domains 1; minus strand). Cytogenetic location: 18q21.1.
Variant type: single nucleotide variant.
Coding change: c.970A>T on transcript NM_001384474.1 (MANE Select); coding-DNA position 970, A replaced by T.
Protein change: p.Arg324Ter; replaces arginine 324 with a stop codon.
Molecular consequence: nonsense.
Genome position (GRCh38, 1-based): chr18:46,601,381, T>A on the plus strand (A>T on the coding strand, the complement: LOXHD1 is on the minus strand). VCF-style: chr18-46601381-T-A. GRCh37 (hg19) VCF-style: chr18-44181344-T-A.
Other names: c.970A>T, p.Arg324Ter (NM_144612.7); short protein forms R324*.
Identifiers: ClinVar variation 1993425 (VCV001993425.4), dbSNP rs1198533642, ClinGen allele CA402381831.